The following is an entry in ClinVar:

ClinVar aggregate classification (germline): Uncertain significance (1 of 4 stars; one submission).

Submission:

Labcorp Genetics (formerly Invitae), Labcorp
Classification: Uncertain significance. Last evaluated: 2023-07-17. Review status: criteria provided, single submitter. Criteria: Invitae Variant Classification Sherloc (09022015). Collection method: clinical testing. Allele origin: germline.
Comment: In summary, the available evidence is currently insufficient to determine the role of this variant in disease. Therefore, it has been classified as a Variant of Uncertain Significance. Advanced modeling of protein sequence and biophysical properties (such as structural, functional, and spatial information, amino acid conservation, physicochemical variation, residue mobility, and thermodynamic stability) has been performed at Invitae for this missense variant, however the output from this modeling did not meet the statistical confidence thresholds required to predict the impact of this variant on SCN3A protein function. ClinVar contains an entry for this variant (Variation ID: 1058878). This variant has not been reported in the literature in individuals affected with SCN3A-related conditions. This variant is not present in population databases (gnomAD no frequency). This sequence change replaces leucine, which is neutral and non-polar, with phenylalanine, which is neutral and non-polar, at codon 328 of the SCN3A protein (p.Leu328Phe).

NM_006922.4(SCN3A):c.984G>C (p.Leu328Phe)

Gene: SCN3A (sodium voltage-gated channel alpha subunit 3; minus strand). Cytogenetic location: 2q24.3.
Variant type: single nucleotide variant.
Coding change: c.984G>C on transcript NM_006922.4 (MANE Select); coding-DNA position 984, G replaced by C.
Protein change: p.Leu328Phe; replaces leucine 328 with phenylalanine.
Molecular consequence: missense variant.
Genome position (GRCh38, 1-based): chr2:165,162,355, C>G on the plus strand (G>C on the coding strand, the complement: SCN3A is on the minus strand). VCF-style: chr2-165162355-C-G. GRCh37 (hg19) VCF-style: chr2-166018865-C-G.
Other names: c.984G>C, p.Leu328Phe (NM_001081676.2, NM_001081677.2); short protein forms L328F.
Identifiers: ClinVar variation 1058878 (VCV001058878.9), dbSNP rs2105889047, ClinGen allele CA349238789.
Genomic context (GRCh38, chr2:165,162,355, plus strand): 5'-TTATGTTTCTTACCCTGCATCTGAGCCATTTCCACAGAGTAAAGGGTCTTTTTGCCCATC[C>G]AAAACATAAAAGTGACCTGTTAATACAAAAAAAAACCCATTTTATTTCATATTAATCCTA-3'
Protein context (NP_008853.3, residues 318-338): YIGDDSHFYV[Leu328Phe]DGQKDPLLCG